The following is an entry in ClinVar:

ClinVar aggregate classification (germline): Uncertain significance (1 of 4 stars; one submission).

Conditions:
Cardiovascular phenotype. Identifiers: MedGen CN230736.

Allele frequency attached by ClinVar (database versions not stated): gnomAD exomes 0.00001.
gnomAD v4.1: 17 of 1,613,836 alleles (0.0011%); highest among the groups gnomAD compares: Admixed American, 0.005%; no homozygotes.

Submission:

Ambry Genetics
Classification: Uncertain significance for Cardiovascular phenotype. Last evaluated: 2021-10-06. Review status: criteria provided, single submitter. Criteria: Ambry Variant Classification Scheme 2023. Collection method: clinical testing. Allele origin: germline.
Comment: The p.R532H variant (also known as c.1595G>A), located in coding exon 13 of the CACNB2 gene, results from a G to A substitution at nucleotide position 1595. The arginine at codon 532 is replaced by histidine, an amino acid with highly similar properties. This amino acid position is conserved. In addition, this alteration is predicted to be tolerated by in silico analysis. Since supporting evidence is limited at this time, the clinical significance of this alteration remains unclear.

NM_201596.3(CACNB2):c.1757G>A (p.Arg586His)

Gene: CACNB2 (calcium voltage-gated channel auxiliary subunit beta 2; plus strand). Cytogenetic location: 10p12.31.
Variant type: single nucleotide variant.
Coding change: c.1757G>A on transcript NM_201596.3 (MANE Select); coding-DNA position 1757, G replaced by A.
Protein change: p.Arg586His; replaces arginine 586 with histidine.
Molecular consequence: missense variant.
Genome position (GRCh38, 1-based): chr10:18,539,498, G>A. VCF-style: chr10-18539498-G-A. GRCh37 (hg19) VCF-style: chr10-18828427-G-A.
Other names: c.1592G>A, p.Arg531His (NM_000724.4); c.1559G>A, p.Arg520His (NM_001167945.2); c.1478G>A, p.Arg493His (NM_001330060.2); c.1499G>A, p.Arg500His (NM_001410882.1); c.1613G>A, p.Arg538His (NM_201570.3); c.1673G>A, p.Arg558His (NM_201571.4); c.1601G>A, p.Arg534His (NM_201572.4); c.1595G>A, p.Arg532His (NM_201590.3); and 2 more; short protein forms R520H, R532H, R531H, R534H, R548H, R538H, R558H, R586H.
Identifiers: ClinVar variation 1775999 (VCV001775999.2), dbSNP rs747168096, ClinGen allele CA5430161.